The following is an entry in ClinVar:

NM_001080414.4(CCDC88C):c.624+2T>G

Gene: CCDC88C (coiled-coil and HOOK domain protein 88C; minus strand). Cytogenetic location: 14q32.11.
Variant type: single nucleotide variant.
Coding change: c.624+2T>G on transcript NM_001080414.4 (MANE Select); the canonical splice donor site of the intron after coding-DNA position 624, T replaced by G.
Molecular consequence: splice donor variant.
Genome position (GRCh38, 1-based): chr14:91,339,882, A>C on the plus strand (T>G on the coding strand, the complement: CCDC88C is on the minus strand). VCF-style: chr14-91339882-A-C. GRCh37 (hg19) VCF-style: chr14-91806226-A-C.
Identifiers: ClinVar variation 5004428 (VCV005004428.1).

ClinVar aggregate classification (germline): Uncertain significance (1 of 4 stars; one submission).

Conditions:
Hydrocephalus, nonsyndromic, autosomal recessive 1 (HYC1). Also called: Hydrocephalus, nonsyndromic, autosomal recessive; Congenital hydrocephalus 1. Identifiers: Orphanet 2185, MedGen C3887608, MONDO:0009360, OMIM 236600.

Submission:

Myriad Genetics, Inc.
Classification: Uncertain significance for Hydrocephalus, nonsyndromic, autosomal recessive 1. Last evaluated: 2026-01-27. Review status: criteria provided, single submitter. Criteria: Myriad Autosomal Dominant, Autosomal Recessive and X-Linked Classification Criteria (2023). Collection method: clinical testing. Allele origin: unknown.
Comment: NM_001080414.3(CCDC88C):c.624+2T>G is a variant in a canonical splice site classified as a variant of uncertain significance in the context of congenital hydrocephalus, CCDC88C-related. c.624+2T>G has not been observed in cases with relevant disease. Relevant functional assessments of this variant are not available in the literature. c.624+2T>G has not been observed in referenced population frequency databases. In summary, there is insufficient evidence to classify NM_001080414.3(CCDC88C):c.624+2T>G as pathogenic or benign. Please note: this variant was assessed in the context of healthy population screening.